The following is an entry in ClinVar:

NM_182914.3(SYNE2):c.20399T>C (p.Leu6800Pro)

Gene: SYNE2 (spectrin repeat containing nuclear envelope protein 2; plus strand). Cytogenetic location: 14q23.2.
Variant type: single nucleotide variant.
Coding change: c.20399T>C on transcript NM_182914.3 (MANE Select); coding-DNA position 20399, T replaced by C.
Protein change: p.Leu6800Pro; replaces leucine 6800 with proline.
Molecular consequence: missense variant.
Genome position (GRCh38, 1-based): chr14:64,224,477, T>C. VCF-style: chr14-64224477-T-C. GRCh37 (hg19) VCF-style: chr14-64691195-T-C.
Other names: c.20330T>C, p.Leu6777Pro (NM_015180.6); c.965T>C, p.Leu322Pro (NM_182910.2); c.1343T>C, p.Leu448Pro (NM_182913.4); short protein forms L6800P, L448P, L322P, L6777P.
Identifiers: ClinVar variation 313662 (VCV000313662.15), dbSNP rs763134759, ClinGen allele CA7224853.

ClinVar aggregate classification (germline): Uncertain significance. Review status: criteria provided, multiple submitters, no conflicts (2 of 4 stars). 2 submissions from 2 submitters: Uncertain significance (2). Last evaluated 2024-08-28.

Conditions:
Emery-Dreifuss muscular dystrophy 5, autosomal dominant (EDMD5). Also called: EMERY-DREIFUSS MUSCULAR DYSTROPHY 5. Identifiers: Orphanet 261, MedGen C2751805, MONDO:0013072, OMIM 612999.

Allele frequency attached by ClinVar (database versions not stated): gnomAD exomes below 0.00001 and 0.00003; gnomAD 0.00001; TOPMed 0.00001; ExAC 0.00002.
gnomAD v4.1: 8 of 1,613,820 alleles (0.0005%); highest among the groups gnomAD compares: East Asian, 0.016%; no homozygotes.

Submissions (2):

Ambry Genetics
Classification: Uncertain significance. Last evaluated: 2024-08-28. Review status: criteria provided, single submitter. Criteria: Ambry Variant Classification Scheme 2023. Collection method: clinical testing. Allele origin: germline.

Labcorp Genetics (formerly Invitae), Labcorp
Classification: Uncertain significance for Emery-Dreifuss muscular dystrophy 5, autosomal dominant. Last evaluated: 2022-03-03. Review status: criteria provided, single submitter. Criteria: Invitae Variant Classification Sherloc (09022015). Collection method: clinical testing. Allele origin: germline.
Comment: This sequence change replaces leucine, which is neutral and non-polar, with proline, which is neutral and non-polar, at codon 6800 of the SYNE2 protein (p.Leu6800Pro). This variant is present in population databases (rs763134759, gnomAD 0.04%), and has an allele count higher than expected for a pathogenic variant. This variant has not been reported in the literature in individuals affected with SYNE2-related conditions. ClinVar contains an entry for this variant (Variation ID: 313662). Algorithms developed to predict the effect of missense changes on protein structure and function are either unavailable or do not agree on the potential impact of this missense change (SIFT: "Deleterious"; PolyPhen-2: "Probably Damaging"; Align-GVGD: "Class C0"). In summary, the available evidence is currently insufficient to determine the role of this variant in disease. Therefore, it has been classified as a Variant of Uncertain Significance.